The following is an entry in ClinVar:

NM_001854.4(COL11A1):c.940A>G (p.Met314Val)

Gene: COL11A1 (collagen type XI alpha 1 chain; minus strand). Cytogenetic location: 1p21.1.
Variant type: single nucleotide variant.
Coding change: c.940A>G on transcript NM_001854.4 (MANE Select); coding-DNA position 940, A replaced by G.
Protein change: p.Met314Val; replaces methionine 314 with valine.
Molecular consequence: missense variant. On other transcripts: non-coding transcript variant (1), intron variant (1).
Genome position (GRCh38, 1-based): chr1:103,025,571, T>C on the plus strand (A>G on the coding strand, the complement: COL11A1 is on the minus strand). VCF-style: chr1-103025571-T-C. GRCh37 (hg19) VCF-style: chr1-103491127-T-C.
Other names: c.823A>G, p.Met275Val (NM_001190709.2); c.976A>G, p.Met326Val (NM_080629.3); c.897+645A>G (NM_080630.4); short protein forms M275V, M314V, M326V.
Identifiers: ClinVar variation 1719716 (VCV001719716.5), dbSNP rs2525608271, ClinGen allele CA341155580.

ClinVar aggregate classification (germline): Uncertain significance (1 of 4 stars; one submission).

Submission:

Labcorp Genetics (formerly Invitae), Labcorp
Classification: Uncertain significance. Last evaluated: 2022-09-18. Review status: criteria provided, single submitter. Criteria: Invitae Variant Classification Sherloc (09022015). Collection method: clinical testing. Allele origin: germline.
Comment: In summary, the available evidence is currently insufficient to determine the role of this variant in disease. Therefore, it has been classified as a Variant of Uncertain Significance. Advanced modeling of protein sequence and biophysical properties (such as structural, functional, and spatial information, amino acid conservation, physicochemical variation, residue mobility, and thermodynamic stability) performed at Invitae indicates that this missense variant is not expected to disrupt COL11A1 protein function. This variant has not been reported in the literature in individuals affected with COL11A1-related conditions. This variant is not present in population databases (gnomAD no frequency). This sequence change replaces methionine, which is neutral and non-polar, with valine, which is neutral and non-polar, at codon 314 of the COL11A1 protein (p.Met314Val).